The following is an entry in ClinVar:

NM_000465.4(BARD1):c.1980C>A (p.Ser660Arg)

Gene: BARD1 (BRCA1 associated RING domain 1; minus strand). Cytogenetic location: 2q35.
Variant type: single nucleotide variant.
Coding change: c.1980C>A on transcript NM_000465.4 (MANE Select); coding-DNA position 1980, C replaced by A.
Protein change: p.Ser660Arg; replaces serine 660 with arginine.
Molecular consequence: missense variant. On other transcripts: non-coding transcript variant (3).
Genome position (GRCh38, 1-based): chr2:214,730,432, G>T on the plus strand (C>A on the coding strand, the complement: BARD1 is on the minus strand). VCF-style: chr2-214730432-G-T. GRCh37 (hg19) VCF-style: chr2-215595156-G-T.
Other names: c.1923C>A, p.Ser641Arg (NM_001282543.2); c.627C>A, p.Ser209Arg (NM_001282545.2); c.570C>A, p.Ser190Arg (NM_001282548.2); c.441C>A, p.Ser147Arg (NM_001282549.2); short protein forms S190R, S209R, S660R, S147R, S641R.
Identifiers: ClinVar variation 1783795 (VCV001783795.6), dbSNP rs1574706765, ClinGen allele CA350451124.
Genomic context (GRCh38, chr2:214,730,432, plus strand): 5'-ATAATAAGAACAATGAAAGTTGTATTAAAAGAAAAATACCAGCTGTTCTCTGTTGAGCCT[G>T]CTTCTGCGTGGACCTTCAGGAATTTCATACTTTTCTTCCTGTTCACATACTTTTCTTCGT-3'
Protein context (NP_000456.2, residues 650-670): KYEIPEGPRR[Ser660Arg]RLNREQLLPK

ClinVar aggregate classification (germline): Uncertain significance. Review status: criteria provided, multiple submitters, no conflicts (2 of 4 stars). 3 submissions from 3 submitters: Uncertain significance (3). Last evaluated 2024-12-30.

Conditions:
Hereditary cancer-predisposing syndrome. Also called: Neoplastic Syndromes, Hereditary; Tumor predisposition; Hereditary Cancer Syndrome; Hereditary neoplastic syndrome. Identifiers: Orphanet 140162, MedGen C0027672, MeSH D009386, MONDO:0015356.
BARD1-related cancer predisposition. Identifiers: MedGen CN377756, MONDO:0700267.
Familial cancer of breast. Also called: BREAST CANCER, FAMILIAL; Hereditary breast cancer; hereditary breast carcinoma. Identifiers: Orphanet 227535, MedGen C0346153, MONDO:0016419, OMIM 114480. Disease mechanism: loss of function.

Submissions (3):

Molecular Pathology, Peter Maccallum Cancer Centre
Classification: Uncertain significance for BARD1-related cancer predisposition. Last evaluated: 2024-12-30. Review status: criteria provided, single submitter. Criteria: ACMG Guidelines, 2015. Collection method: clinical testing. Allele origin: germline. Inheritance: Autosomal dominant inheritance.

Labcorp Genetics (formerly Invitae), Labcorp
Classification: Uncertain significance for Familial cancer of breast. Last evaluated: 2023-10-04. Review status: criteria provided, single submitter. Criteria: Invitae Variant Classification Sherloc (09022015). Collection method: clinical testing. Allele origin: germline.
Comment: This sequence change replaces serine, which is neutral and polar, with arginine, which is basic and polar, at codon 660 of the BARD1 protein (p.Ser660Arg). This variant is not present in population databases (gnomAD no frequency). This variant has not been reported in the literature in individuals affected with BARD1-related conditions. ClinVar contains an entry for this variant (Variation ID: 1783795). An algorithm developed to predict the effect of missense changes on protein structure and function (PolyPhen-2) suggests that this variant is likely to be disruptive. Experimental studies have shown that this missense change affects BARD1 function (PMID: 30925164). In summary, the available evidence is currently insufficient to determine the role of this variant in disease. Therefore, it has been classified as a Variant of Uncertain Significance.

Ambry Genetics
Classification: Uncertain significance for Hereditary cancer-predisposing syndrome. Last evaluated: 2021-09-27. Review status: criteria provided, single submitter. Criteria: Ambry Variant Classification Scheme 2023. Collection method: clinical testing. Allele origin: germline.
Comment: The p.S660R variant (also known as c.1980C>A), located in coding exon 10 of the BARD1 gene, results from a C to A substitution at nucleotide position 1980. The serine at codon 660 is replaced by arginine, an amino acid with dissimilar properties. This alteration was found to be functionally intermediate in a homology-directed DNA repair (HDR) assay (Adamovich AI et al. PLoS Genet, 2019 03;15:e1008049). This amino acid position is well conserved in available vertebrate species. In addition, the in silico prediction for this alteration is inconclusive. Since supporting evidence is limited at this time, the clinical significance of this alteration remains unclear.

Literature cited by the submitters: PubMed 30925164 (cited by Labcorp Genetics (formerly Invitae), Labcorp and Ambry Genetics).